The following is an entry in ClinVar:

ClinVar aggregate classification (germline): Uncertain significance (1 of 4 stars; one submission).

Conditions:
Granulomatous disease, chronic, autosomal recessive, cytochrome b-negative. Also called: CGD DUE TO DEFICIENCY OF THE ALPHA SUBUNIT OF CYTOCHROME b; CGD, AUTOSOMAL RECESSIVE CYTOCHROME b-NEGATIVE; CYBA DEFICIENCY; GRANULOMATOUS DISEASE, CHRONIC, AUTOSOMAL RECESSIVE, 4; Chronic granulomatous disease, autosomal, due to deficiency of CYBA. Identifiers: Orphanet 379, MedGen C1856255, MONDO:0009308, OMIM 233690.

gnomAD v4.1: 4 of 1,533,086 alleles (0.00026%); highest among the groups gnomAD compares: Non-Finnish European, 0.00035%; no homozygotes.

Submission:

Labcorp Genetics (formerly Invitae), Labcorp
Classification: Uncertain significance for Granulomatous disease, chronic, autosomal recessive, cytochrome b-negative. Last evaluated: 2021-08-31. Review status: criteria provided, single submitter. Criteria: Invitae Variant Classification Sherloc (09022015). Collection method: clinical testing. Allele origin: germline.
Comment: This sequence change replaces arginine with leucine at codon 127 of the CYBA protein (p.Arg127Leu). The arginine residue is moderately conserved and there is a moderate physicochemical difference between arginine and leucine. The frequency data for this variant in the population databases is considered unreliable, as metrics indicate insufficient coverage at this position in the ExAC database. This variant has not been reported in the literature in individuals affected with CYBA-related conditions. Algorithms developed to predict the effect of missense changes on protein structure and function are either unavailable or do not agree on the potential impact of this missense change (SIFT: "Deleterious"; PolyPhen-2: "Possibly Damaging"; Align-GVGD: "Class C0"). In summary, the available evidence is currently insufficient to determine the role of this variant in disease. Therefore, it has been classified as a Variant of Uncertain Significance.

NM_000101.4(CYBA):c.380G>T (p.Arg127Leu)

Gene: CYBA (cytochrome b-245 alpha chain; minus strand). Cytogenetic location: 16q24.2.
Variant type: single nucleotide variant.
Coding change: c.380G>T on transcript NM_000101.4 (MANE Select); coding-DNA position 380, G replaced by T.
Protein change: p.Arg127Leu; replaces arginine 127 with leucine.
Molecular consequence: missense variant.
Genome position (GRCh38, 1-based): chr16:88,643,561, C>A on the plus strand (G>T on the coding strand, the complement: CYBA is on the minus strand). VCF-style: chr16-88643561-C-A. GRCh37 (hg19) VCF-style: chr16-88709969-C-A.
Other names: short protein forms R127L.
Identifiers: ClinVar variation 1524629 (VCV001524629.5), dbSNP rs755779683, ClinGen allele CA286348452.